The following is an entry in ClinVar:

ClinVar aggregate classification (germline): Benign/Likely benign. Review status: criteria provided, multiple submitters, no conflicts (2 of 4 stars). 6 submissions from 6 submitters: Benign (1); Likely benign (3). 2 of the submissions do not count toward it. Last evaluated 2026-01-28.

Conditions:
Catecholaminergic polymorphic ventricular tachycardia 1. Also called: RYR2-Related Catecholaminergic Polymorphic Ventricular Tachycardia; VENTRICULAR TACHYCARDIA, STRESS-INDUCED POLYMORPHIC 1; VENTRICULAR TACHYCARDIA, CATECHOLAMINERGIC POLYMORPHIC, 1, WITH OR WITHOUT ATRIAL DYSFUNCTION AND/OR DILATED CARDIOMYOPATHY. Identifiers: Orphanet 3286, MedGen C1631597, MONDO:0011484, OMIM 604772.

Allele frequency attached by ClinVar (database versions not stated): gnomAD exomes 0.00019 and 0.00042; 1000 Genomes Project 0.00020; TOPMed 0.00020; ExAC 0.00021; gnomAD 0.00023 and 0.00024; ESP Exome Variant Server 0.00034; 1000 Genomes Project 30x 0.00016.
gnomAD v4.1: 592 of 1,500,032 alleles (0.039%); highest among the groups gnomAD compares: Non-Finnish European, 0.052%; 1 homozygote.

Submissions (6):

Labcorp Genetics (formerly Invitae), Labcorp
Classification: Likely benign for Catecholaminergic polymorphic ventricular tachycardia 1. Last evaluated: 2026-01-28. Review status: criteria provided, single submitter. Criteria: Invitae Variant Classification Sherloc (09022015). Collection method: clinical testing. Allele origin: germline.

Blueprint Genetics
Classification: Likely benign. Last evaluated: 2024-11-26. Review status: criteria provided, single submitter. Criteria: ACMG Guidelines, 2015. Collection method: clinical testing. Allele origin: germline.

Women's Health and Genetics/Laboratory Corporation of America, LabCorp
Classification: Benign. Last evaluated: 2020-11-09. Review status: criteria provided, single submitter. Criteria: LabCorp Variant Classification Summary - May 2015. Collection method: clinical testing. Allele origin: germline.
Comment: Variant summary: RYR2 c.10554+16T>C alters a non-conserved nucleotide located close to a canonical splice site and therefore could affect mRNA splicing, leading to a significantly altered protein sequence. 4/4 computational tools predict no significant impact on normal splicing. However, these predictions have yet to be confirmed by functional studies. The variant allele was found at a frequency of 0.00019 in 247366 control chromosomes, predominantly at a frequency of 0.00033 within the Non-Finnish European subpopulation in the gnomAD database. The observed variant frequency within Non-Finnish European control individuals in the gnomAD database is approximately 9.6-fold the estimated maximal expected allele frequency for a pathogenic variant in RYR2 causing Catecholaminergic Polymorphic Ventricular Tachycardia phenotype (3.4e-05), strongly suggesting that the variant is a benign polymorphism found primarily in populations of Non-Finnish European origin. To our knowledge, no occurrence of c.10554+16T>C in individuals affected with Catecholaminergic Polymorphic Ventricular Tachycardia and no experimental evidence demonstrating its impact on protein function have been reported. One clinical diagnostic laboratory has submitted clinical-significance assessments for this variant to ClinVar after 2014 without evidence for independent evaluation, citing the variant as likely benign. Based on the evidence outlined above, the variant was classified as benign.

GeneDx
Classification: Likely benign. Last evaluated: 2018-04-17. Review status: criteria provided, single submitter. Criteria: GeneDx Variant Classification Process June 2021. Collection method: clinical testing. Allele origin: germline. Affected: yes.

Clinical Genetics, Academic Medical Center
Classification: Benign. Review status: no assertion criteria provided. Collection method: clinical testing. Allele origin: germline. Affected: yes. Study: VKGL Data-share Consensus. Not counted in ClinVar's aggregate classification.

Genome Diagnostics Laboratory, University Medical Center Utrecht
Classification: Likely benign. Review status: no assertion criteria provided. Collection method: clinical testing. Allele origin: germline. Affected: yes. Study: VKGL Data-share Consensus. Not counted in ClinVar's aggregate classification.

NM_001035.3(RYR2):c.10554+16T>C

Gene: RYR2 (ryanodine receptor 2; plus strand). Cytogenetic location: 1q43.
Variant type: single nucleotide variant.
Coding change: c.10554+16T>C on transcript NM_001035.3 (MANE Select); 16 bases into the intron after coding-DNA position 10554, T replaced by C.
Molecular consequence: intron variant.
Genome position (GRCh38, 1-based): chr1:237,718,537, T>C. VCF-style: chr1-237718537-T-C. GRCh37 (hg19) VCF-style: chr1-237881837-T-C.
Other names: c.10554+16T>C (LRG_402t1).
Identifiers: ClinVar variation 391175 (VCV000391175.52), dbSNP rs370288739, ClinGen allele CA084384.
Genomic context (GRCh38, chr1:237,718,537, plus strand): 5'-GAAGTACGAGATATAATCCGCAGCAATATTCATTTACAAGGCAAGGTAAGCCAAATTTTA[T>C]TCTTAAGCCACATTTACTACCTATACATTAGTTAATCTCTCTTTAAAATAATACTATAAA-3'